The following is an entry in ClinVar:

ClinVar aggregate classification (germline): Uncertain significance (1 of 4 stars; one submission).

Conditions:
Hypercholesterolemia, autosomal dominant, type B (FHCL2). Also called: APOB-Related Familial Hypercholesterolemia, Autosomal Dominant; Familial Hypercholesterolemia Type B; APOLIPOPROTEIN B-100, FAMILIAL DEFECTIVE; APOLIPOPROTEIN B-100, FAMILIAL LIGAND-DEFECTIVE; HYPERCHOLESTEROLEMIA, FAMILIAL, DUE TO LIGAND-DEFECTIVE APOLIPOPROTEIN B; Hyperlipoproteinemia Type IIb. Identifiers: MedGen C1704417, MONDO:0007751, OMIM 144010.
Familial hypobetalipoproteinemia 1. Also called: Hypobetalipoproteinemia, normotriglyceridemic; Acanthocytosis with hypobetalipoproteinemia; APOB-Related Familial Hypobetalipoproteinemia. Identifiers: MedGen C4551990, MONDO:0014252, OMIM 615558.

Submission:

Labcorp Genetics (formerly Invitae), Labcorp
Classification: Uncertain significance for Familial hypobetalipoproteinemia 1; Hypercholesterolemia, autosomal dominant, type B. Last evaluated: 2023-09-08. Review status: criteria provided, single submitter. Criteria: Invitae Variant Classification Sherloc (09022015). Collection method: clinical testing. Allele origin: germline.
Comment: This sequence change replaces glutamic acid, which is acidic and polar, with aspartic acid, which is acidic and polar, at codon 3112 of the APOB protein (p.Glu3112Asp). In summary, the available evidence is currently insufficient to determine the role of this variant in disease. Therefore, it has been classified as a Variant of Uncertain Significance. Advanced modeling of protein sequence and biophysical properties (such as structural, functional, and spatial information, amino acid conservation, physicochemical variation, residue mobility, and thermodynamic stability) performed at Invitae indicates that this missense variant is not expected to disrupt APOB protein function. This variant has not been reported in the literature in individuals affected with APOB-related conditions. This variant is not present in population databases (gnomAD no frequency).

NM_000384.3(APOB):c.9336G>T (p.Glu3112Asp)

Gene: APOB (apolipoprotein B; minus strand). Cytogenetic location: 2p24.1.
Variant type: single nucleotide variant.
Coding change: c.9336G>T on transcript NM_000384.3 (MANE Select); coding-DNA position 9336, G replaced by T.
Protein change: p.Glu3112Asp; replaces glutamic acid 3112 with aspartic acid.
Molecular consequence: missense variant.
Genome position (GRCh38, 1-based): chr2:21,007,532, C>A on the plus strand (G>T on the coding strand, the complement: APOB is on the minus strand). VCF-style: chr2-21007532-C-A. GRCh37 (hg19) VCF-style: chr2-21230404-C-A.
Other names: short protein forms E3112D.
Identifiers: ClinVar variation 2951697 (VCV002951697.3), dbSNP rs750547432, ClinGen allele CA345990519.